The following is an entry in ClinVar:

NM_000548.5(TSC2):c.3883+5C>A

Gene: TSC2 (TSC complex subunit 2; plus strand). Cytogenetic location: 16p13.3.
Variant type: single nucleotide variant.
Coding change: c.3883+5C>A on transcript NM_000548.5 (MANE Select); 5 bases into the intron after coding-DNA position 3883, C replaced by A.
Molecular consequence: intron variant. On other transcripts: synonymous variant (1).
Genome position (GRCh38, 1-based): chr16:2,082,509, C>A. VCF-style: chr16-2082509-C-A. GRCh37 (hg19) VCF-style: chr16-2132510-C-A.
Other names: c.2410+5C>A (NM_001406690.1); c.2341+711C>A (NM_001406692.1, NM_001406694.1, NM_001406693.1); c.2407+5C>A (NM_001406691.1); c.2338+711C>A (NM_001406697.1, NM_001406695.1, NM_001406696.1); c.2080+711C>A (NM_001406698.1); c.3814+711C>A (NM_001114382.3); c.3880+5C>A (NM_001406663.1); c.3811+711C>A (NM_001406664.1); and 26 more.
Identifiers: ClinVar variation 4826456 (VCV004826456.1).

ClinVar aggregate classification (germline): Uncertain significance (1 of 4 stars; one submission).

Conditions:
Hereditary cancer-predisposing syndrome. Also called: Neoplastic Syndromes, Hereditary; Tumor predisposition; Hereditary Cancer Syndrome; Hereditary neoplastic syndrome. Identifiers: Orphanet 140162, MedGen C0027672, MeSH D009386, MONDO:0015356.

Submission:

Ambry Genetics
Classification: Uncertain significance for Hereditary cancer-predisposing syndrome. Last evaluated: 2026-03-02. Review status: criteria provided, single submitter. Criteria: Ambry Variant Classification Scheme 2023. Collection method: clinical testing. Allele origin: germline.
Comment: The c.3883+5C>A intronic variant results from a C to A substitution 5 nucleotides after coding exon 31 in the TSC2 gene. This nucleotide position is not well conserved in available vertebrate species. In silico splice site analysis predicts that this alteration will not have any significant effect on splicing. Based on the available evidence, the clinical significance of this variant remains unclear.